The following is an entry in ClinVar:

ClinVar aggregate classification (germline): Conflicting classifications of pathogenicity. Review status: criteria provided, conflicting classifications (1 of 4 stars). 3 submissions from 3 submitters: Uncertain significance (1); Benign (1). 1 of the submissions does not count toward it. Last evaluated 2025-02-20.

Conditions:
FLNA-related disorder.
Heterotopia, periventricular, X-linked dominant (PVNH1). Also called: PERIVENTRICULAR NODULAR HETEROTOPIA 1; X-linked periventricular heterotopia; PERIVENTRICULAR NODULAR HETEROTOPIA 4; HETEROTOPIA, PERIVENTRICULAR, 1. Identifiers: Orphanet 2149, Orphanet 82004, MedGen C1848213, MONDO:0010233, OMIM 300049.
Melnick-Needles syndrome (MNS). Also called: Melnick-Needles Syndrome (FLNA-MNS); MELNICK-NEEDLES OSTEODYSPLASTY; OSTEODYSPLASTY OF MELNICK AND NEEDLES. Identifiers: Orphanet 2484, MedGen C0025237, MONDO:0010650, OMIM 309350.
Frontometaphyseal dysplasia (FMD1). Identifiers: Orphanet 1826, MedGen C0265293, MONDO:0015942.
Oto-palato-digital syndrome, type II (OPD2). Also called: Otopalatodigital Syndrome Type 2 (FLNA-OPD2); FACIOPALATOOSSEOUS SYNDROME; OPD II SYNDROME; Otopalatodigital Syndrome, Type II. Identifiers: Orphanet 669, Orphanet 90652, MedGen C1844696, MONDO:0010571, OMIM 304120.
Cardiac valvular dysplasia, X-linked (CVDPX). Also called: FLNA-Related X-linked Cardiac Valvular Dysplasia; MYXOMATOUS VALVULAR DYSTROPHY, X-LINKED; VALVULAR HEART DISEASE, CONGENITAL; Congenital valvular dysplasia; Isolated X-Linked Cardiac Valvular Dysplasia. Identifiers: Orphanet 1864, Orphanet 555877, Orphanet 75497, MedGen C0262436, MONDO:0010753, OMIM 314400.

Allele frequency attached by ClinVar (database versions not stated): gnomAD exomes 0.00002 and 0.00004; gnomAD 0.00003; TOPMed 0.00004; ExAC 0.00006.
gnomAD v4.1: 23 of 1,209,599 alleles (0.0019%); highest among the groups gnomAD compares: Middle Eastern, 0.023%; no homozygotes.

Submissions (3):

Labcorp Genetics (formerly Invitae), Labcorp
Classification: Benign for Oto-palato-digital syndrome, type II; Heterotopia, periventricular, X-linked dominant; Frontometaphyseal dysplasia; Melnick-Needles syndrome. Last evaluated: 2025-02-20. Review status: criteria provided, single submitter. Criteria: Invitae Variant Classification Sherloc (09022015). Collection method: clinical testing. Allele origin: germline.

New York Genome Center
Classification: Uncertain significance for Cardiac valvular dysplasia, X-linked. Last evaluated: 2021-07-16. Review status: criteria provided, single submitter. Criteria: NYGC Assertion Criteria 2020. Collection method: clinical testing. Allele origin: inherited. Observed: 1 heterozygote. Study: CSER-NYCKidSeq.

PreventionGenetics, part of Exact Sciences
Classification: Likely benign for FLNA-related condition. Last evaluated: 2023-04-19. Review status: no assertion criteria provided. Collection method: clinical testing. Allele origin: germline. Not counted in ClinVar's aggregate classification.
Comment: This variant is classified as likely benign based on ACMG/AMP sequence variant interpretation guidelines (Richards et al. 2015 PMID: 25741868, with internal and published modifications).

NM_001110556.2(FLNA):c.7834C>T (p.Arg2612Trp)

Genes: FLNA (filamin A; minus strand), LOC107988032 (Xq28 proximal FLNA-EMD recombination region; plus strand). Cytogenetic location: Xq28.
Variant type: single nucleotide variant.
Coding change: c.7834C>T on transcript NM_001110556.2 (MANE Select); coding-DNA position 7834, C replaced by T.
Protein change: p.Arg2612Trp; replaces arginine 2612 with tryptophan.
Molecular consequence: missense variant.
Genome position (GRCh38, 1-based): chrX:154,348,959, G>A on the plus strand (C>T on the coding strand, the complement: FLNA is on the minus strand). VCF-style: chrX-154348959-G-A. GRCh37 (hg19) VCF-style: chrX-153577327-G-A.
Other names: c.7834C>T (NM_001110556.1); c.7810C>T, p.Arg2604Trp (NM_001456.4); short protein forms R2612W, R2604W.
Identifiers: ClinVar variation 1524454 (VCV001524454.11), dbSNP rs781864075, ClinGen allele CA10559820.
Genomic context (GRCh38, chrX:154,348,959, plus strand): 5'-ATTTGACCACCAGTGTGTACTCCCCCTTGTCCTTGAGCAGGTAGGACACGCTGTAGAGCC[G>A]GCTGCCCACGTGCTTCACCAGGATCTCCTCGCAGGGGGTCCTTGGGCCATGAACCCCCAC-3'
Protein context (NP_001104026.1, residues 2602-2622): EEILVKHVGS[Arg2612Trp]LYSVSYLLKD